The following is an entry in ClinVar:

NM_000203.5(IDUA):c.1868T>C (p.Leu623Pro)

Gene: IDUA (alpha-L-iduronidase; plus strand). Cytogenetic location: 4p16.3.
Variant type: single nucleotide variant.
Coding change: c.1868T>C on transcript NM_000203.5 (MANE Select); coding-DNA position 1868, T replaced by C.
Protein change: p.Leu623Pro; replaces leucine 623 with proline.
Molecular consequence: missense variant. On other transcripts: non-coding transcript variant (1).
Genome position (GRCh38, 1-based): chr4:1,004,299, T>C. VCF-style: chr4-1004299-T-C. GRCh37 (hg19) VCF-style: chr4-998087-T-C.
Other names: c.1472T>C, p.Leu491Pro (NM_001363576.1); short protein forms L491P, L623P.
Identifiers: ClinVar variation 1339514 (VCV001339514.12), dbSNP rs2153023287, ClinGen allele CA355965948.
Genomic context (GRCh38, chr4:1,004,299, plus strand): 5'-CACATGTCCCCTTGTCTCCAGACACAGGTGCTGTCTCTGGCTCCTACCGAGTTCGAGCCC[T>C]GGACTACTGGGCCCGACCAGGCCCCTTCTCGGACCCTGTGCCGTACCTGGAGGTCCCTGT-3'
Protein context (NP_000194.2, residues 613-633): AVSGSYRVRA[Leu623Pro]DYWARPGPFS

ClinVar aggregate classification (germline): Pathogenic/Likely pathogenic. Review status: criteria provided, multiple submitters, no conflicts (2 of 4 stars). 5 submissions from 4 submitters: Pathogenic (2); Likely pathogenic (3). Last evaluated 2024-03-18.

Conditions:
Hurler syndrome. Also called: Gargoylism, Hurler Syndrome; MUCOPOLYSACCHARIDOSIS TYPE IH; Severe MPS I (Hurler Syndrome). Identifiers: Orphanet 93473, MedGen C0086795, MONDO:0011758, OMIM 607014.
Mucopolysaccharidosis type 1. Also called: IDUA deficiency; MPS I; Mucopolysaccharidosis Type I. Identifiers: Orphanet 579, MedGen C0023786, MONDO:0001586.
Familial hypokalemia-hypomagnesemia (GTLMNS). Also called: HYPOMAGNESEMIA-HYPOKALEMIA, PRIMARY RENOTUBULAR, WITH HYPOCALCIURIA; POTASSIUM AND MAGNESIUM DEPLETION; gitelman syndrome. Identifiers: Orphanet 358, MedGen C0268450, MONDO:0009904, OMIM 263800.

Submissions (5):

Women's Health and Genetics/Laboratory Corporation of America, LabCorp
Classification: Likely pathogenic for Mucopolysaccharidosis type 1. Last evaluated: 2024-03-18. Review status: criteria provided, single submitter. Criteria: LabCorp Variant Classification Summary - May 2015. Collection method: clinical testing. Allele origin: germline.
Comment: Variant summary: IDUA c.1868T>C (p.Leu623Pro) results in a non-conservative amino acid change located in the Alpha-L-iduronidase, C-terminal domain (IPR049167) of the encoded protein sequence. Three of five in-silico tools predict a damaging effect of the variant on protein function. The frequency data for this variant in gnomAD is considered unreliable, as metrics indicate poor data quality at this position. c.1868T>C has been reported in the literature in individuals affected with Mucopolysaccharidosis Type 1 (examples: Cobos_2015, Maddirevula_2018) and one infant who was homozygous for this variant had undetectable alpha iduronidase activity in dried blood spot (Cobos_2015). The following publications have been ascertained in the context of this evaluation (PMID: 24798265, 28752568, 29620724). ClinVar contains an entry for this variant (Variation ID: 1339514). Based on the evidence outlined above, the variant was classified as likely pathogenic.

Women's Health and Genetics/Laboratory Corporation of America, LabCorp
Classification: Likely pathogenic for Familial hypokalemia-hypomagnesemia. Last evaluated: 2024-03-18. Review status: criteria provided, single submitter. Criteria: LabCorp Variant Classification Summary - May 2015. Collection method: clinical testing. Allele origin: germline.
Comment: Variant summary: SLC12A3 c.1868T>C (p.Leu623Pro) results in a non-conservative amino acid change located in the Amino acid permease/ SLC12A domain (IPR004841) of the encoded protein sequence. Three of five in-silico tools predict a benign effect of the variant on protein function. The variant allele was found at a frequency of 6.1e-06 in 163202 control chromosomes (gnomAD). c.1868T>C has been reported in the literature in multiple individuals affected with Familial Hypokalemia-Hypomagnesemia with evidence of cosegregation with disease (Takeuchi_1996, Riveira-Munoz_2007, Mori_2021), and some patients were reported as compound heterozygous with other (likely) pathogenic or truncating variants. These data indicate that the variant is very likely to be associated with disease. The following publications have been ascertained in the context of this evaluation (PMID: 8954067, 17329572, 33348466). One submitter has cited a clinical-significance assessment for this variant to ClinVar after 2014 and has classified the variant as pathogenic. Based on the evidence outlined above, the variant was classified as pathogenic.

Genomic Medicine Center of Excellence, King Faisal Specialist Hospital and Research Centre
Classification: Pathogenic for Mucopolysaccharidosis Ih. Last evaluated: 2024-03-14. Review status: criteria provided, single submitter. Criteria: ACMG Guidelines, 2015. Collection method: clinical testing. Allele origin: germline.

Labcorp Genetics (formerly Invitae), Labcorp
Classification: Likely pathogenic for Mucopolysaccharidosis type 1. Last evaluated: 2023-07-12. Review status: criteria provided, single submitter. Criteria: Invitae Variant Classification Sherloc (09022015). Collection method: clinical testing. Allele origin: germline.
Comment: In summary, the currently available evidence indicates that the variant is pathogenic, but additional data are needed to prove that conclusively. Therefore, this variant has been classified as Likely Pathogenic. Advanced modeling of protein sequence and biophysical properties (such as structural, functional, and spatial information, amino acid conservation, physicochemical variation, residue mobility, and thermodynamic stability) has been performed at Invitae for this missense variant, however the output from this modeling did not meet the statistical confidence thresholds required to predict the impact of this variant on IDUA protein function. ClinVar contains an entry for this variant (Variation ID: 1339514). This variant is not present in population databases (gnomAD no frequency). This sequence change replaces leucine, which is neutral and non-polar, with proline, which is neutral and non-polar, at codon 623 of the IDUA protein (p.Leu623Pro). This missense change has been observed in individuals with mucopolysaccharidosis type I (PMID: 24798265, 29620724).

Pathology and Clinical Laboratory Medicine, King Fahad Medical City
Classification: Pathogenic for Hurler syndrome. Review status: criteria provided, single submitter. Criteria: ACMG Guidelines, 2015. Collection method: clinical testing. Allele origin: germline. Affected: yes. Observed: 2 variant alleles.

Literature cited by the submitters: PubMed 24798265 (cited by Women's Health and Genetics/Laboratory Corporation of America, LabCorp and Labcorp Genetics (formerly Invitae), Labcorp); PubMed 28752568 (cited by Women's Health and Genetics/Laboratory Corporation of America, LabCorp); PubMed 29620724 (cited by Women's Health and Genetics/Laboratory Corporation of America, LabCorp and Labcorp Genetics (formerly Invitae), Labcorp).